The following is an entry in ClinVar:

NM_000080.4(CHRNE):c.797C>T (p.Ala266Val)

Genes: C17orf107 (chromosome 17 open reading frame 107; plus strand), CHRNE (cholinergic receptor nicotinic epsilon subunit; minus strand). Cytogenetic location: 17p13.2.
Variant type: single nucleotide variant.
Coding change: c.797C>T on transcript NM_000080.4 (MANE Select); coding-DNA position 797, C replaced by T.
Protein change: p.Ala266Val; replaces alanine 266 with valine.
Molecular consequence: missense variant. On other transcripts: 3 prime UTR variant (1).
Genome position (GRCh38, 1-based): chr17:4,900,995, G>A on the plus strand (C>T on the coding strand, the complement: CHRNE is on the minus strand). VCF-style: chr17-4900995-G-A. GRCh37 (hg19) VCF-style: chr17-4804290-G-A.
Other names: c.*462G>A (NM_001145536.2); short protein forms A266V.
Identifiers: ClinVar variation 323990 (VCV000323990.20), dbSNP rs201463598, ClinGen allele CA8314262.

ClinVar aggregate classification (germline): Conflicting classifications of pathogenicity. Review status: criteria provided, conflicting classifications (1 of 4 stars). 5 submissions from 5 submitters: Uncertain significance (2); Likely benign (1). 2 of the submissions do not count toward it. Last evaluated 2026-01-03.

Conditions:
CHRNE-related disorder. Also called: CHRNE-related condition.
Congenital myasthenic syndrome (CMS). Also called: Congenital Myasthenic Syndromes. Identifiers: Orphanet 590, MedGen C0751882, MeSH D020294, MONDO:0018940.
Congenital myasthenic syndrome 4A. Also called: Myasthenic syndrome, congenital, 4a, slow-channel; CONGENITAL MYASTHENIC SYNDROME TYPE Ia1; MYASTHENIC SYNDROME, CONGENITAL, 4A, SLOW-CHANNEL, AUTOSOMAL RECESSIVE. Identifiers: Orphanet 590, MedGen C4225413, MONDO:0011600, OMIM 605809.

Allele frequency attached by ClinVar (database versions not stated): gnomAD 0.00016; gnomAD exomes 0.00019 and 0.00008; TOPMed 0.00012; ESP Exome Variant Server 0.00015; ExAC 0.00020.

Submissions (5):

Labcorp Genetics (formerly Invitae), Labcorp
Classification: Likely benign for Congenital myasthenic syndrome 4A. Last evaluated: 2026-01-03. Review status: criteria provided, single submitter. Criteria: Invitae Variant Classification Sherloc (09022015). Collection method: clinical testing. Allele origin: germline.

Revvity Omics, Revvity
Classification: Uncertain significance. Last evaluated: 2023-03-22. Review status: criteria provided, single submitter. Criteria: ACMG Guidelines, 2015. Collection method: clinical testing. Allele origin: germline.

Illumina Laboratory Services, Illumina
Classification: Uncertain significance for Congenital myasthenic syndrome. Last evaluated: 2018-01-12. Review status: criteria provided, single submitter. Criteria: ICSL Variant Classification Criteria 13 December 2019. Collection method: clinical testing. Allele origin: germline.

PreventionGenetics, part of Exact Sciences
Classification: Likely benign for CHRNE-related condition. Last evaluated: 2023-04-08. Review status: no assertion criteria provided. Collection method: clinical testing. Allele origin: germline. Not counted in ClinVar's aggregate classification.
Comment: This variant is classified as likely benign based on ACMG/AMP sequence variant interpretation guidelines (Richards et al. 2015 PMID: 25741868, with internal and published modifications).

Natera, Inc.
Classification: Likely benign for Congenital myasthenic syndrome. Last evaluated: 2020-09-16. Review status: no assertion criteria provided. Collection method: clinical testing. Allele origin: germline. Not counted in ClinVar's aggregate classification.